The following is an entry in ClinVar:

ClinVar aggregate classification (germline): Uncertain significance (1 of 4 stars; one submission).

Conditions:
Ullrich congenital muscular dystrophy 2 (UCMD2). Identifiers: Orphanet 75840, MedGen C4225314, MONDO:0014654, OMIM 616470.
Bethlem myopathy 2 (BTHLM2). Identifiers: Orphanet 536516, Orphanet 610, MedGen C4225313, MONDO:0034022, OMIM 616471.

gnomAD v4.1: 10 of 1,614,036 alleles (0.00062%); highest among the groups gnomAD compares: Admixed American, 0.017%; no homozygotes.

Submission:

Labcorp Genetics (formerly Invitae), Labcorp
Classification: Uncertain significance for Bethlem myopathy 2; Ullrich congenital muscular dystrophy 2. Last evaluated: 2024-04-10. Review status: criteria provided, single submitter. Criteria: Invitae Variant Classification Sherloc (09022015). Collection method: clinical testing. Allele origin: germline.
Comment: This sequence change replaces threonine, which is neutral and polar, with arginine, which is basic and polar, at codon 847 of the COL12A1 protein (p.Thr847Arg). This variant is present in population databases (no rsID available, gnomAD 0.009%). This variant has not been reported in the literature in individuals affected with COL12A1-related conditions. Advanced modeling of protein sequence and biophysical properties (such as structural, functional, and spatial information, amino acid conservation, physicochemical variation, residue mobility, and thermodynamic stability) performed at Invitae indicates that this missense variant is not expected to disrupt COL12A1 protein function with a negative predictive value of 80%. In summary, the available evidence is currently insufficient to determine the role of this variant in disease. Therefore, it has been classified as a Variant of Uncertain Significance.

NM_004370.6(COL12A1):c.2540C>G (p.Thr847Arg)

Gene: COL12A1 (collagen type XII alpha 1 chain; minus strand). Cytogenetic location: 6q13.
Variant type: single nucleotide variant.
Coding change: c.2540C>G on transcript NM_004370.6 (MANE Select); coding-DNA position 2540, C replaced by G.
Protein change: p.Thr847Arg; replaces threonine 847 with arginine.
Molecular consequence: missense variant. On other transcripts: intron variant (3).
Genome position (GRCh38, 1-based): chr6:75,175,208, G>C on the plus strand (C>G on the coding strand, the complement: COL12A1 is on the minus strand). VCF-style: chr6-75175208-G-C. GRCh37 (hg19) VCF-style: chr6-75884924-G-C.
Other names: c.2540C>G, p.Thr847Arg (NM_001424113.1, NM_001424114.1); c.74-22726C>G (NM_001424116.1, NM_080645.3); c.2437+2455C>G (NM_001424115.1); short protein forms T847R.
Identifiers: ClinVar variation 3763381 (VCV003763381.2).
Genomic context (GRCh38, chr6:75,175,208, plus strand): 5'-TTGGTTGTATCTCCCCTCACAGTGACCTCTTGAGTTTCACCCCCTGCCACTGGGGTATAT[G>C]TGACGAGATACTGTTTCACTTTTCCTGGTGCCCCACTCCAAGATAATTTCATAGTAGACG-3'
Protein context (NP_004361.3, residues 837-857): APGKVKQYLV[Thr847Arg]YTPVAGGETQ